The following is an entry in ClinVar:

NM_022436.3(ABCG5):c.1596T>A (p.Ser532Arg)

Genes: ABCG5 (ATP binding cassette subfamily G member 5; minus strand), DYNC2LI1 (dynein cytoplasmic 2 light intermediate chain 1; plus strand). Cytogenetic location: 2p21.
Variant type: single nucleotide variant.
Coding change: c.1596T>A on transcript NM_022436.3 (MANE Select); coding-DNA position 1596, T replaced by A.
Protein change: p.Ser532Arg; replaces serine 532 with arginine.
Molecular consequence: missense variant. On other transcripts: intron variant (2).
Genome position (GRCh38, 1-based): chr2:43,819,968, A>T on the plus strand (T>A on the coding strand, the complement: ABCG5 is on the minus strand). VCF-style: chr2-43819968-A-T. GRCh37 (hg19) VCF-style: chr2-44047107-A-T.
Other names: c.*16-7418A>T (NM_001348913.2, NM_001348912.2); short protein forms S532R.
Identifiers: ClinVar variation 1776017 (VCV001776017.2), dbSNP rs2465951443, ClinGen allele CA346662858.
Genomic context (GRCh38, chr2:43,819,968, plus strand): 5'-ATCTTACCTGAGGAATCCAGATCCAACAAGCACCCCCGCAATGGACAGCAGAGCCACTAC[A>T]CTGTTGACTATATTTGGATTTTGGACGATACCAAGTAGCACAAGAGTTAGAAATTCACCA-3'
Protein context (NP_071881.1, residues 522-542): GIVQNPNIVN[Ser532Arg]VVALLSIAGV

ClinVar aggregate classification (germline): Uncertain significance (1 of 4 stars; one submission).

Conditions:
Cardiovascular phenotype. Identifiers: MedGen CN230736.

Allele frequency attached by ClinVar (database versions not stated): gnomAD exomes below 0.00001.
gnomAD v4.1: 1 of 1,614,170 alleles (0.000062%); no homozygotes.

Submission:

Ambry Genetics
Classification: Uncertain significance for Cardiovascular phenotype. Last evaluated: 2022-08-07. Review status: criteria provided, single submitter. Criteria: Ambry Variant Classification Scheme 2023. Collection method: clinical testing. Allele origin: germline.
Comment: The p.S532R variant (also known as c.1596T>A), located in coding exon 11 of the ABCG5 gene, results from a T to A substitution at nucleotide position 1596. The serine at codon 532 is replaced by arginine, an amino acid with dissimilar properties. This amino acid position is conserved. In addition, the in silico prediction for this alteration is inconclusive. Since supporting evidence is limited at this time, the clinical significance of this alteration remains unclear.